The following is an entry in ClinVar:

NM_001267550.2(TTN):c.99845T>C (p.Ile33282Thr)

Genes: TTN (titin; minus strand), TTN-AS1 (TTN antisense RNA 1; plus strand), LOC126806420 (BRD4-independent group 4 enhancer GRCh37_chr2:179401104-179402303; plus strand). Cytogenetic location: 2q31.2.
Variant type: single nucleotide variant.
Coding change: c.99845T>C on transcript NM_001267550.2 (MANE Select); coding-DNA position 99845, T replaced by C.
Protein change: p.Ile33282Thr; replaces isoleucine 33282 with threonine.
Molecular consequence: missense variant. On other transcripts: non-coding transcript variant (1).
Genome position (GRCh38, 1-based): chr2:178,537,362, A>G on the plus strand (T>C on the coding strand, the complement: TTN is on the minus strand). VCF-style: chr2-178537362-A-G. GRCh37 (hg19) VCF-style: chr2-179402089-A-G.
Other names: c.94922T>C, p.Ile31641Thr (NM_001256850.1); c.72650T>C, p.Ile24217Thr (NM_003319.4); c.92141T>C, p.Ile30714Thr (NM_133378.4); c.73025T>C, p.Ile24342Thr (NM_133432.3); c.73226T>C, p.Ile24409Thr (NM_133437.4); short protein forms I24217T, I24342T, I24409T, I30714T, I31641T, I33282T.
Identifiers: ClinVar variation 1757977 (VCV001757977.2), dbSNP rs747546215, ClinGen allele CA1986133.

ClinVar aggregate classification (germline): Uncertain significance (1 of 4 stars; one submission).

Conditions:
Cardiovascular phenotype. Identifiers: MedGen CN230736.

Allele frequency attached by ClinVar (database versions not stated): gnomAD exomes below 0.00001; ExAC 0.00001; gnomAD 0.00001; TOPMed 0.00002.
gnomAD v4.1: 4 of 1,567,624 alleles (0.00026%); highest among the groups gnomAD compares: African/African-American, 0.0055%; no homozygotes.

Submission:

Ambry Genetics
Classification: Uncertain significance for Cardiovascular phenotype. Last evaluated: 2019-01-10. Review status: criteria provided, single submitter. Criteria: Ambry Variant Classification Scheme 2023. Collection method: clinical testing. Allele origin: germline.
Comment: The p.I24217T variant (also known as c.72650T>C), located in coding exon 182 of the TTN gene, results from a T to C substitution at nucleotide position 72650. The isoleucine at codon 24217 is replaced by threonine, an amino acid with similar properties. This amino acid position is poorly conserved in available vertebrate species. In addition, this alteration is predicted to be tolerated by in silico analysis. Since supporting evidence is limited at this time, the clinical significance of this alteration remains unclear.